The following is an entry in ClinVar:

NM_021100.5(NFS1):c.1137-3C>T

Gene: NFS1 (NFS1 cysteine desulfurase; minus strand). Cytogenetic location: 20q11.22.
Variant type: single nucleotide variant.
Coding change: c.1137-3C>T on transcript NM_021100.5 (MANE Select); 3 bases into the intron before coding-DNA position 1137, C replaced by T.
Molecular consequence: intron variant.
Genome position (GRCh38, 1-based): chr20:35,673,687, G>A on the plus strand (C>T on the coding strand, the complement: NFS1 is on the minus strand). VCF-style: chr20-35673687-G-A. GRCh37 (hg19) VCF-style: chr20-34261609-G-A.
Other names: c.984-3C>T (NM_001198989.2).
Identifiers: ClinVar variation 2069285 (VCV002069285.4), dbSNP rs1255694685, ClinGen allele CA635363592.

ClinVar aggregate classification (germline): Uncertain significance (1 of 4 stars; one submission).

Allele frequency attached by ClinVar (database versions not stated): gnomAD exomes below 0.00001; TOPMed below 0.00001; gnomAD 0.00001.
gnomAD v4.1: 6 of 1,612,380 alleles (0.00037%); highest among the groups gnomAD compares: Admixed American, 0.0017%; no homozygotes.

Submission:

Labcorp Genetics (formerly Invitae), Labcorp
Classification: Uncertain significance. Last evaluated: 2024-02-24. Review status: criteria provided, single submitter. Criteria: Invitae Variant Classification Sherloc (09022015). Collection method: clinical testing. Allele origin: germline.
Comment: This sequence change falls in intron 10 of the NFS1 gene. It does not directly change the encoded amino acid sequence of the NFS1 protein. It affects a nucleotide within the consensus splice site. The frequency data for this variant in the population databases is considered unreliable, as metrics indicate poor data quality at this position in the gnomAD database. This variant has not been reported in the literature in individuals affected with NFS1-related conditions. ClinVar contains an entry for this variant (Variation ID: 2069285). Variants that disrupt the consensus splice site are a relatively common cause of aberrant splicing (PMID: 17576681, 9536098). Algorithms developed to predict the effect of sequence changes on RNA splicing suggest that this variant is not likely to affect RNA splicing. In summary, the available evidence is currently insufficient to determine the role of this variant in disease. Therefore, it has been classified as a Variant of Uncertain Significance.

Literature cited by the submitters: PubMed 17576681; PubMed 9536098.